The following continues an entry in ClinVar:

NM_000135.4(FANCA):c.2574C>G (p.Ser858Arg)

Gene: FANCA. ClinVar aggregate classification (germline): Benign/Likely benign. Benign (9); Likely benign (5).

Submissions 26 to 33 of 33:

Dr. Peter K. Rogan Lab, Western University
No classification provided (evidence only). Condition: Sarcoma. Review status: no classification provided. Collection method: in vitro. Allele origin: not applicable. Functional consequence: retained intron. Not counted in ClinVar's aggregate classification.

Dr. Peter K. Rogan Lab, Western University
No classification provided (evidence only). Condition: Sarcoma. Review status: no classification provided. Collection method: in vitro. Allele origin: not applicable. Functional consequence: retained intron. Not counted in ClinVar's aggregate classification.

Dr. Peter K. Rogan Lab, Western University
No classification provided (evidence only). Condition: Ovarian serous cystadenocarcinoma. Review status: no classification provided. Collection method: in vitro. Allele origin: not applicable. Functional consequence: retained intron. Not counted in ClinVar's aggregate classification.

Dr. Peter K. Rogan Lab, Western University
No classification provided (evidence only). Condition: Malignant tumor of esophagus. Review status: no classification provided. Collection method: in vitro. Allele origin: not applicable. Functional consequence: retained intron. Not counted in ClinVar's aggregate classification.

Genome Diagnostics Laboratory, Amsterdam University Medical Center
Classification: Likely benign. Review status: no assertion criteria provided. Collection method: clinical testing. Allele origin: germline. Affected: yes. Study: VKGL Data-share Consensus. Not counted in ClinVar's aggregate classification.

Genome Diagnostics Laboratory, University Medical Center Utrecht
Classification: Likely benign. Review status: no assertion criteria provided. Collection method: clinical testing. Allele origin: germline. Affected: yes. Study: VKGL Data-share Consensus. Not counted in ClinVar's aggregate classification.

Laboratory of Diagnostic Genome Analysis, Leiden University Medical Center (LUMC)
Classification: Benign. Review status: no assertion criteria provided. Collection method: clinical testing. Allele origin: germline. Affected: yes. Study: VKGL Data-share Consensus. Not counted in ClinVar's aggregate classification.

Leiden Open Variation Database
Classification: Pathogenic for Fanconi anemia complementation group A. Last evaluated: 2020-02-28. Review status: flagged submission. Collection method: curation. Allele origin: germline. Affected: yes. Not counted in ClinVar's aggregate classification.
Comment: Curator: Arleen D. Auerbach. Submitter to LOVD: Arleen D. Auerbach.
ClinVar note: Reason: Outlier claim with insufficient supporting evidence

Literature cited by the submitters: PubMed 12955722 (cited by Quest Diagnostics Nichols Institute San Juan Capistrano and Leiden Open Variation Database); PubMed 10094191 (cited by Quest Diagnostics Nichols Institute San Juan Capistrano and Leiden Open Variation Database); PubMed 11091222 (cited by Quest Diagnostics Nichols Institute San Juan Capistrano and Leiden Open Variation Database); PubMed 24728327 (cited by Quest Diagnostics Nichols Institute San Juan Capistrano and ITMI); PubMed 27148581 (cited by Quest Diagnostics Nichols Institute San Juan Capistrano); PubMed 15591268 (cited by Quest Diagnostics Nichols Institute San Juan Capistrano); PubMed 21279724 (cited by Quest Diagnostics Nichols Institute San Juan Capistrano); PubMed 26799702 (cited by Quest Diagnostics Nichols Institute San Juan Capistrano); PubMed 30476936 (cited by Quest Diagnostics Nichols Institute San Juan Capistrano).